The following is an entry in ClinVar:

ClinVar aggregate classification (germline): Uncertain significance. Review status: criteria provided, multiple submitters, no conflicts (2 of 4 stars). 3 submissions from 3 submitters: Uncertain significance (3). Last evaluated 2026-09-01.

Conditions:
ABCA4-related disorder. Also called: ABCA4-related condition; ABCA4-related disorders. Identifiers: MedGen CN239167.

Allele frequency attached by ClinVar (database versions not stated): gnomAD 0.00001; ExAC 0.00002; gnomAD exomes 0.00002; TOPMed 0.00003.
gnomAD v4.1: 6 of 1,614,058 alleles (0.00037%); highest among the groups gnomAD compares: Admixed American, 0.0083%; no homozygotes.

Submissions (3):

PreventionGenetics, part of Exact Sciences
Classification: Uncertain significance for ABCA4-related condition. Last evaluated: 2026-09-01. Review status: criteria provided, single submitter. Criteria: ACMG Guidelines, 2015. Collection method: clinical testing. Allele origin: germline.
Comment: The ABCA4 c.4001C>T variant is predicted to result in the amino acid substitution p.Pro1334Leu. To our knowledge, this variant has not been reported in the literature. This variant is reported in 0.012% of alleles in individuals of Latino descent in gnomAD. At this time, the clinical significance of this variant is uncertain due to the absence of conclusive functional and genetic evidence.

Labcorp Genetics (formerly Invitae), Labcorp
Classification: Uncertain significance. Last evaluated: 2022-05-25. Review status: criteria provided, single submitter. Criteria: Invitae Variant Classification Sherloc (09022015). Collection method: clinical testing. Allele origin: germline.
Comment: This sequence change replaces proline, which is neutral and non-polar, with leucine, which is neutral and non-polar, at codon 1334 of the ABCA4 protein (p.Pro1334Leu). This variant is present in population databases (rs770774620, gnomAD 0.01%). This variant has not been reported in the literature in individuals affected with ABCA4-related conditions. ClinVar contains an entry for this variant (Variation ID: 941791). Advanced modeling of protein sequence and biophysical properties (such as structural, functional, and spatial information, amino acid conservation, physicochemical variation, residue mobility, and thermodynamic stability) performed at Invitae indicates that this missense variant is not expected to disrupt ABCA4 protein function. In summary, the available evidence is currently insufficient to determine the role of this variant in disease. Therefore, it has been classified as a Variant of Uncertain Significance.

Blueprint Genetics
Classification: Uncertain significance. Last evaluated: 2022-04-18. Review status: criteria provided, single submitter. Criteria: ACMG Guidelines, 2015. Collection method: clinical testing. Allele origin: germline.

NM_000350.3(ABCA4):c.4001C>T (p.Pro1334Leu)

Gene: ABCA4 (ATP binding cassette subfamily A member 4; minus strand). Cytogenetic location: 1p22.1.
Variant type: single nucleotide variant.
Coding change: c.4001C>T on transcript NM_000350.3 (MANE Select); coding-DNA position 4001, C replaced by T.
Protein change: p.Pro1334Leu; replaces proline 1334 with leucine.
Molecular consequence: missense variant.
Genome position (GRCh38, 1-based): chr1:94,031,905, G>A on the plus strand (C>T on the coding strand, the complement: ABCA4 is on the minus strand). VCF-style: chr1-94031905-G-A. GRCh37 (hg19) VCF-style: chr1-94497461-G-A.
Other names: c.3779C>T, p.Pro1260Leu (NM_001425324.1); short protein forms P1334L, P1260L.
Identifiers: ClinVar variation 941791 (VCV000941791.9), dbSNP rs770774620, ClinGen allele CA957749.